The following is an entry in ClinVar:

NM_000537.4(REN):c.498T>A (p.Gly166=)

Gene: REN (renin; minus strand). Cytogenetic location: 1q32.1.
Variant type: single nucleotide variant.
Coding change: c.498T>A on transcript NM_000537.4 (MANE Select); coding-DNA position 498, T replaced by A.
Protein change: p.Gly166=; no amino-acid change (glycine 166 retained).
Molecular consequence: synonymous variant.
Genome position (GRCh38, 1-based): chr1:204,159,590, A>T on the plus strand (T>A on the coding strand, the complement: REN is on the minus strand). VCF-style: chr1-204159590-A-T. GRCh37 (hg19) VCF-style: chr1-204128718-A-T.
Identifiers: ClinVar variation 4821584 (VCV004821584.4).

ClinVar aggregate classification (germline): Likely benign (1 of 4 stars; one submission).

Submission:

CeGaT Center for Human Genetics Tuebingen
Classification: Likely benign. Last evaluated: 2026-03-01. Review status: criteria provided, single submitter. Criteria: CeGaT Center For Human Genetics Tuebingen Variant Classification Criteria Version 2. Collection method: clinical testing. Allele origin: germline. Affected: yes. Observed: 1 variant allele.
Comment: REN: PM2:Supporting, BP4, BP7